The following is an entry in ClinVar:

ClinVar aggregate classification (germline): Uncertain significance (1 of 4 stars; one submission).

Submission:

Women's Health and Genetics/Laboratory Corporation of America, LabCorp
Classification: Uncertain significance. Last evaluated: 2024-04-03. Review status: criteria provided, single submitter. Criteria: LabCorp Variant Classification Summary - May 2015. Collection method: clinical testing. Allele origin: germline.
Comment: Variant summary: F8 c.6440G>T (p.Gly2147Val) results in a non-conservative amino acid change located in the Coagulation factor 5/8 C-terminal domain (IPR000421) of the encoded protein sequence. Five of five in-silico tools predict a damaging effect of the variant on protein function. The variant was absent in 183328 control chromosomes. c.6440G>T has been reported in the literature in individuals affected with Factor VIII Deficiency (Hemophilia A) (example, Kang_2021 and Feng_2021). These data indicate that the variant may be associated with disease. To our knowledge, no experimental evidence demonstrating an impact on protein function has been reported. The following publications have been ascertained in the context of this evaluation (PMID: 33245802, 32897612). No submitters have cited clinical-significance assessments for this variant to ClinVar. Based on the evidence outlined above, the variant was classified as VUS-possibly pathogenic.

Literature cited by the submitters: PubMed 33245802; PubMed 32897612.

NM_000132.4(F8):c.6440G>T (p.Gly2147Val)

Gene: F8 (coagulation factor VIII; minus strand). Cytogenetic location: Xq28.
Variant type: single nucleotide variant.
Coding change: c.6440G>T on transcript NM_000132.4 (MANE Select); coding-DNA position 6440, G replaced by T.
Protein change: p.Gly2147Val; replaces glycine 2147 with valine.
Molecular consequence: missense variant.
Genome position (GRCh38, 1-based): chrX:154,863,217, C>A on the plus strand (G>T on the coding strand, the complement: F8 is on the minus strand). VCF-style: chrX-154863217-C-A. GRCh37 (hg19) VCF-style: chrX-154091492-C-A.
Other names: c.35G>T, p.Gly12Val (NM_019863.3); short protein forms G12V, G2147V.
Identifiers: ClinVar variation 3251579 (VCV003251579.1), dbSNP rs1435703494.